The following is an entry in ClinVar:

NM_000127.3(EXT1):c.1677C>A (p.Asp559Glu)

Gene: EXT1 (exostosin glycosyltransferase 1; minus strand). Cytogenetic location: 8q24.11.
Variant type: single nucleotide variant.
Coding change: c.1677C>A on transcript NM_000127.3 (MANE Select); coding-DNA position 1677, C replaced by A.
Protein change: p.Asp559Glu; replaces aspartic acid 559 with glutamic acid.
Molecular consequence: missense variant.
Genome position (GRCh38, 1-based): chr8:117,812,917, G>T on the plus strand (C>A on the coding strand, the complement: EXT1 is on the minus strand). VCF-style: chr8-117812917-G-T. GRCh37 (hg19) VCF-style: chr8-118825156-G-T.
Other names: short protein forms D559E.
Identifiers: ClinVar variation 3710873 (VCV003710873.3).

ClinVar aggregate classification (germline): Uncertain significance. Review status: criteria provided, multiple submitters, no conflicts (2 of 4 stars). 2 submissions from 2 submitters: Uncertain significance (2). Last evaluated 2025-12-30.

Conditions:
Multiple congenital exostosis (EXT). Also called: MULTIPLE CARTILAGINOUS EXOSTOSES; Hereditary multiple osteochondromas; Multiple exostoses; Hereditary multiple exostoses; Hereditary multiple exostosis; Multiple osteochondromas. Identifiers: Orphanet 321, MedGen C0015306, MONDO:0005508, HP:0002762.
Inborn genetic diseases. Identifiers: MedGen C0950123, MeSH D030342.

gnomAD v4.1: 2 of 1,613,972 alleles (0.00012%); highest among the groups gnomAD compares: Admixed American, 0.0033%; no homozygotes.

Submissions (2):

Ambry Genetics
Classification: Uncertain significance for Inborn genetic diseases. Last evaluated: 2025-12-30. Review status: criteria provided, single submitter. Criteria: Ambry Variant Classification Scheme 2023. Collection method: clinical testing. Allele origin: germline.

Labcorp Genetics (formerly Invitae), Labcorp
Classification: Uncertain significance for Multiple congenital exostosis. Last evaluated: 2024-09-12. Review status: criteria provided, single submitter. Criteria: Invitae Variant Classification Sherloc (09022015). Collection method: clinical testing. Allele origin: germline.
Comment: This sequence change replaces aspartic acid, which is acidic and polar, with glutamic acid, which is acidic and polar, at codon 559 of the EXT1 protein (p.Asp559Glu). This variant is present in population databases (no rsID available, gnomAD 0.1%). This variant has not been reported in the literature in individuals affected with EXT1-related conditions. Invitae Evidence Modeling of protein sequence and biophysical properties (such as structural, functional, and spatial information, amino acid conservation, physicochemical variation, residue mobility, and thermodynamic stability) indicates that this missense variant is not expected to disrupt EXT1 protein function with a negative predictive value of 80%. In summary, the available evidence is currently insufficient to determine the role of this variant in disease. Therefore, it has been classified as a Variant of Uncertain Significance.